The following is an entry in ClinVar:

ClinVar aggregate classification (germline): Uncertain significance (1 of 4 stars; one submission).

Conditions:
Hereditary cancer-predisposing syndrome. Also called: Neoplastic Syndromes, Hereditary; Hereditary Cancer Syndrome; Hereditary neoplastic syndrome; Tumor predisposition. Identifiers: Orphanet 140162, MedGen C0027672, MeSH D009386, MONDO:0015356.

gnomAD v4.1: 2 of 1,614,040 alleles (0.00012%); highest among the groups gnomAD compares: Non-Finnish European, 0.00017%; no homozygotes.

Submission:

Ambry Genetics
Classification: Uncertain significance for Hereditary cancer-predisposing syndrome. Last evaluated: 2026-05-02. Review status: criteria provided, single submitter. Criteria: Ambry Variant Classification Scheme 2023. Collection method: clinical testing. Allele origin: germline.
Comment: The p.E380G variant (also known as c.1139A>G), located in coding exon 11 of the FANCC gene, results from an A to G substitution at nucleotide position 1139. The glutamic acid at codon 380 is replaced by glycine, an amino acid with similar properties. This amino acid position is conserved. In addition, the in silico prediction for this alteration is inconclusive. Based on the available evidence, the clinical significance of this variant remains unclear.

NM_000136.3(FANCC):c.1139A>G (p.Glu380Gly)

Genes: AOPEP (aminopeptidase O (putative); plus strand), FANCC (FA complementation group C; minus strand). Cytogenetic location: 9q22.32.
Variant type: single nucleotide variant.
Coding change: c.1139A>G on transcript NM_000136.3 (MANE Select); coding-DNA position 1139, A replaced by G.
Protein change: p.Glu380Gly; replaces glutamic acid 380 with glycine.
Molecular consequence: missense variant.
Genome position (GRCh38, 1-based): chr9:95,114,644, T>C on the plus strand (A>G on the coding strand, the complement: FANCC is on the minus strand). VCF-style: chr9-95114644-T-C. GRCh37 (hg19) VCF-style: chr9-97876926-T-C.
Other names: c.1139A>G, p.Glu380Gly (NM_001243743.2, NM_001243744.2); short protein forms E380G.
Identifiers: ClinVar variation 4870935 (VCV004870935.1).